The following is an entry in ClinVar:

ClinVar aggregate classification (germline): Uncertain significance (1 of 4 stars; one submission).

Submission:

Labcorp Genetics (formerly Invitae), Labcorp
Classification: Uncertain significance. Last evaluated: 2024-04-15. Review status: criteria provided, single submitter. Criteria: Invitae Variant Classification Sherloc (09022015). Collection method: clinical testing. Allele origin: germline.
Comment: This variant, c.38_40+3del, is a complex sequence change that results in the deletion of 3 and insertion of 1 amino acid(s) in the TNNI3K protein (Splice site). This variant is present in population databases (no rsID available, gnomAD 0.001%). This variant has not been reported in the literature in individuals affected with TNNI3K-related conditions. This variant is also known as c.38_40+3del. Experimental studies and prediction algorithms are not available or were not evaluated, and the functional significance of this variant is currently unknown. In summary, the available evidence is currently insufficient to determine the role of this variant in disease. Therefore, it has been classified as a Variant of Uncertain Significance.

NM_015978.3(TNNI3K):c.38_40+3del

Genes: FPGT-TNNI3K (FPGT-TNNI3K readthrough; plus strand), TNNI3K (TNNI3 interacting kinase; plus strand). Cytogenetic location: 1p31.1.
Variant type: Deletion.
Coding change: c.38_40+3del on transcript NM_015978.3 (MANE Select); coding-DNA position 38 through 3 bases into the intron after coding-DNA position 40, 6 bases deleted (CTGGTA; older notation c.38_40+3delCTGGTA).
Molecular consequence: splice donor variant. On other transcripts: intron variant (2).
Genome position (GRCh38, 1-based): chr1:74,235,489-74,235,494, CTGGTA deleted; deleting any 6 consecutive bases within chr1:74,235,486-74,235,494 gives the same sequence; the c. name uses the placement nearest the transcript's 3' end. VCF-style (leftmost placement, unchanged base first): chr1-74235485-TGTACTG-T. GRCh37 (hg19) VCF-style: chr1-74701169-TGTACTG-T.
Other names: c.344-613_344-608del (NM_001112808.3, NM_001199327.2).
Identifiers: ClinVar variation 3016648 (VCV003016648.2), dbSNP rs1211423908, ClinGen allele CA523786461.
Genomic context (GRCh38, chr1:74,235,485, plus strand): 5'-CTGGAGAAAGGAAGAAACTTATAATAAATGGGAAATTATAAATCTAGACCAACCCAAACT[TGTACTG>T]GTAATTATTCTAATTATTCTTATTTCCTTAAGTGTAATATGGTTCAATTATAGTTACTGA-3'